The following is an entry in ClinVar:

NC_000004.11:g.(?_88896421)_(88979275_?)del

Genes: PKD2 (polycystin 2, transient receptor potential cation channel; plus strand), SPP1 (secreted phosphoprotein 1; plus strand). Cytogenetic location: 4q22.1.
Variant type: Deletion.
Identifiers: ClinVar variation 2422832 (VCV002422832.2).

ClinVar aggregate classification (germline): Pathogenic (1 of 4 stars; one submission).

Conditions:
Autosomal dominant polycystic kidney disease. Identifiers: Orphanet 730, MedGen C0085413, MONDO:0004691.

Submission:

Labcorp Genetics (formerly Invitae), Labcorp
Classification: Pathogenic for Autosomal dominant polycystic kidney disease. Last evaluated: 2022-09-18. Review status: criteria provided, single submitter. Criteria: Invitae Variant Classification Sherloc (09022015). Collection method: clinical testing. Allele origin: germline.
Comment: This variant is a gross deletion of the genomic region encompassing exon(s) 1-9 of the PKD2 gene, which includes the initiator codon. This deletion extends beyond the assayed region for this gene and therefore may encompass additional genes. It is expected to result in an absent or disrupted protein product. Loss-of-function variants in PKD2 are known to be pathogenic (PMID: 17582161, 22863349). This variant has not been reported in the literature in individuals affected with PKD2-related conditions. For these reasons, this variant has been classified as Pathogenic.

Literature cited by the submitters: PubMed 17582161; PubMed 22863349.